The following is an entry in ClinVar:

NM_004727.3(SLC24A1):c.3058G>A (p.Val1020Ile)

Gene: SLC24A1 (solute carrier family 24 member 1; plus strand). Cytogenetic location: 15q22.31.
Variant type: single nucleotide variant.
Coding change: c.3058G>A on transcript NM_004727.3 (MANE Select); coding-DNA position 3058, G replaced by A.
Protein change: p.Val1020Ile; replaces valine 1020 with isoleucine.
Molecular consequence: missense variant. On other transcripts: intron variant (1).
Genome position (GRCh38, 1-based): chr15:65,653,837, G>A. VCF-style: chr15-65653837-G-A. GRCh37 (hg19) VCF-style: chr15-65946175-G-A.
Other names: c.1039G>A, p.Val347Ile (NM_001254740.2); c.2968G>A, p.Val990Ile (NM_001301031.1); c.3004G>A, p.Val1002Ile (NM_001301032.1); c.2996+1029G>A (NM_001301033.2); short protein forms V347I, V1002I, V1020I, V990I.
Identifiers: ClinVar variation 887764 (VCV000887764.14), dbSNP rs375878760, ClinGen allele CA7620318.

ClinVar aggregate classification (germline): Conflicting classifications of pathogenicity. Review status: criteria provided, conflicting classifications (1 of 4 stars). 4 submissions from 4 submitters: Uncertain significance (1); Likely benign (2). 1 of the submissions does not count toward it. Last evaluated 2026-01-22.

Conditions:
SLC24A1-related disorder. Also called: SLC24A1-related condition.
Congenital stationary night blindness 1D. Also called: Night blindness, congenital stationary (complete), 1D, autosomal recessive. Identifiers: Orphanet 215, MedGen C3151193, MONDO:0013450, OMIM 613830.

Allele frequency attached by ClinVar (database versions not stated): ESP Exome Variant Server 0.00008; TOPMed 0.00025; ExAC 0.00040; gnomAD exomes 0.00041.
gnomAD v4.1: 380 of 1,613,728 alleles (0.024%); highest among the groups gnomAD compares: Middle Eastern, 0.15%; 2 homozygotes.

Submissions (4):

Labcorp Genetics (formerly Invitae), Labcorp
Classification: Likely benign. Last evaluated: 2026-01-22. Review status: criteria provided, single submitter. Criteria: Invitae Variant Classification Sherloc (09022015). Collection method: clinical testing. Allele origin: germline.

Blueprint Genetics
Classification: Likely benign. Last evaluated: 2024-07-06. Review status: criteria provided, single submitter. Criteria: ACMG Guidelines, 2015. Collection method: clinical testing. Allele origin: germline.

Illumina Laboratory Services, Illumina
Classification: Uncertain significance for Congenital stationary night blindness 1D. Last evaluated: 2018-01-13. Review status: criteria provided, single submitter. Criteria: ICSL Variant Classification Criteria 13 December 2019. Collection method: clinical testing. Allele origin: germline.

PreventionGenetics, part of Exact Sciences
Classification: Likely benign for SLC24A1-related condition. Last evaluated: 2024-09-10. Review status: no assertion criteria provided. Collection method: clinical testing. Allele origin: germline. Not counted in ClinVar's aggregate classification.
Comment: This variant is classified as likely benign based on ACMG/AMP sequence variant interpretation guidelines (Richards et al. 2015 PMID: 25741868, with internal and published modifications).